The following is an entry in ClinVar:

ClinVar aggregate classification (germline): Likely benign. Review status: reviewed by expert panel (3 of 4 stars). 3 submissions from 3 submitters: Likely benign (1). 2 of the submissions do not count toward it. Last evaluated 2017-06-29.

Conditions:
Hereditary breast ovarian cancer syndrome. Also called: Hereditary breast and ovarian cancer syndrome (HBOC); BRCA1- and BRCA2-Associated Hereditary Breast and Ovarian Cancer; Hereditary breast and/or ovarian cancer syndrome; Hereditary breast and ovarian cancer syndrome; Hereditary breast and ovarian cancer; Breast and ovarian cancer. Identifiers: Orphanet 145, MedGen C0677776, MeSH D061325, MONDO:0003582. Disease mechanism: loss of function.
Hereditary cancer-predisposing syndrome. Also called: Neoplastic Syndromes, Hereditary; Hereditary neoplastic syndrome; Tumor predisposition; Hereditary Cancer Syndrome. Identifiers: Orphanet 140162, MedGen C0027672, MeSH D009386, MONDO:0015356.
Breast-ovarian cancer, familial, susceptibility to, 1 (BROVCA1). Also called: BRCA1 Hereditary Breast and Ovarian Cancer; OVARIAN CANCER, SUSCEPTIBILITY TO. Identifiers: Orphanet 145, MedGen C2676676, MONDO:0011450, OMIM 604370. Disease mechanism: loss of function.

Allele frequency attached by ClinVar (database versions not stated): gnomAD exomes below 0.00001; ExAC 0.00001.
gnomAD v4.1: 1 of 1,614,160 alleles (0.000062%); highest among the groups gnomAD compares: Non-Finnish European, 0.000085%; no homozygotes.

Submissions (3):

Evidence-based Network for the Interpretation of Germline Mutant Alleles (ENIGMA)
Classification: Likely benign for Breast-ovarian cancer, familial, susceptibility to, 1. Last evaluated: 2017-06-29. Review status: reviewed by expert panel. Criteria: ENIGMA BRCA1/2 Classification Criteria (2017-06-29). Collection method: curation. Allele origin: germline.
Comment: Synonymous substitution variant, with low bioinformatic likelihood to result in a splicing aberration (Splicing prior probability 0.02).

Labcorp Genetics (formerly Invitae), Labcorp
Classification: Likely benign for Hereditary breast ovarian cancer syndrome. Last evaluated: 2025-04-21. Review status: criteria provided, single submitter. Criteria: Invitae Variant Classification Sherloc (09022015). Collection method: clinical testing. Allele origin: germline. Not counted in ClinVar's aggregate classification.

Ambry Genetics
Classification: Likely benign for Hereditary cancer-predisposing syndrome. Last evaluated: 2023-08-30. Review status: criteria provided, single submitter. Criteria: Ambry Variant Classification Scheme 2023. Collection method: clinical testing. Allele origin: germline. Not counted in ClinVar's aggregate classification.

NM_007294.4(BRCA1):c.4560A>G (p.Arg1520=)

Gene: BRCA1 (BRCA1 DNA repair associated; minus strand). Cytogenetic location: 17q21.31.
Variant type: single nucleotide variant.
Coding change: c.4560A>G on transcript NM_007294.4 (MANE Select); coding-DNA position 4560, A replaced by G.
Protein change: p.Arg1520=; no amino-acid change (arginine 1520 retained).
Molecular consequence: synonymous variant. On other transcripts: intron variant (3).
Genome position (GRCh38, 1-based): chr17:43,074,446, T>C on the plus strand (A>G on the coding strand, the complement: BRCA1 is on the minus strand). VCF-style: chr17-43074446-T-C. GRCh37 (hg19) VCF-style: chr17-41226463-T-C.
Other names: c.4347A>G, p.Arg1449= (NM_001407571.1, NM_001407894.1, NM_001407895.1 and 12 more transcripts); c.4626A>G, p.Arg1542= (NM_001407581.1, NM_001407582.1); c.4623A>G, p.Arg1541= (NM_001407583.1, NM_001407585.1, NM_001407587.1 and 1 more transcripts); c.4620A>G, p.Arg1540= (NM_001407590.1, NM_001407591.1); c.4560A>G, p.Arg1520= (NM_001407593.1, NM_001407594.1, NM_001407596.1 and 8 more transcripts); c.4557A>G, p.Arg1519= (NM_001407610.1, NM_001407611.1, NM_001407612.1 and 17 more transcripts); c.4554A>G, p.Arg1518= (NM_001407627.1, NM_001407628.1, NM_001407629.1 and 14 more transcripts); c.4551A>G, p.Arg1517= (NM_001407644.1, NM_001407645.1); and 71 more.
Identifiers: ClinVar variation 427304 (VCV000427304.15), dbSNP rs761293595, ClinGen allele CA052524.
Genomic context (GRCh38, chr17:43,074,446, plus strand): 5'-TTCCAGCTGTTGCTCCTCCACATCAACAACCTTAATGAGCTCCTCTTGAGATGGGTAGTT[T>C]CTATTCTGAAGACTCCCAGAGCAACTGTGCATGTACCACCTATCATCTAATGATGGGCAT-3'
Protein context (NP_009225.1, residues 1510-1530): MHSCSGSLQN[Arg1520=]NYPSQEELIK